The following is an entry in ClinVar:

ClinVar aggregate classification (germline): Uncertain significance (1 of 4 stars; one submission).

Conditions:
Inborn genetic diseases. Identifiers: MedGen C0950123, MeSH D030342.

Submission:

Ambry Genetics
Classification: Uncertain significance for Inborn genetic diseases. Last evaluated: 2023-06-29. Review status: criteria provided, single submitter. Criteria: Ambry Variant Classification Scheme 2023. Collection method: clinical testing. Allele origin: germline.
Comment: The c.1772G>C (p.G591A) alteration is located in exon 13 (coding exon 12) of the CSF1R gene. This alteration results from a G to C substitution at nucleotide position 1772, causing the glycine (G) at amino acid position 591 to be replaced by an alanine (A). This variant was not reported in population-based cohorts in the Genome Aggregation Database (gnomAD). Another alteration at the same codon, c.1772G>A (p.G591E), has been detected in the heterozygous state in one individual with diffuse hereditary leukoencephalopathy with spheroids (Salinas, 2020). This amino acid position is highly conserved in available vertebrate species. This alteration is predicted to be deleterious by in silico analysis. Based on insufficient or conflicting evidence, the clinical significance of this alteration remains unclear.

Literature cited by the submitters: PubMed 33084218.

NM_001288705.3(CSF1R):c.1772G>C (p.Gly591Ala)

Gene: CSF1R (colony stimulating factor 1 receptor; minus strand). Cytogenetic location: 5q32.
Variant type: single nucleotide variant.
Coding change: c.1772G>C on transcript NM_001288705.3 (MANE Select); coding-DNA position 1772, G replaced by C.
Protein change: p.Gly591Ala; replaces glycine 591 with alanine.
Molecular consequence: missense variant. On other transcripts: non-coding transcript variant (2).
Genome position (GRCh38, 1-based): chr5:150,061,577, C>G on the plus strand (G>C on the coding strand, the complement: CSF1R is on the minus strand). VCF-style: chr5-150061577-C-G. GRCh37 (hg19) VCF-style: chr5-149441140-C-G.
Other names: c.1772G>C, p.Gly591Ala (NM_001349736.2, NM_001375320.1, NM_005211.4); c.1328G>C, p.Gly443Ala (NM_001375321.1); short protein forms G591A, G443A.
Identifiers: ClinVar variation 2549889 (VCV002549889.3), dbSNP rs1757528753, ClinGen allele CA361714167.
Genomic context (GRCh38, chr5:150,061,577, plus strand): 5'-AGGACAGCATCCTCCTTGCCCAGACCAAAGGCCGTGGCCTCCACCACCTTCCCAAAGGCT[C>G]CAGCTCCGAGGGTCTTACCTGCCACGCACACAGGTCCCTTAAGTCCCTGGGCACCAAAGG-3'
Protein context (NP_001275634.1, residues 581-601): NLQFGKTLGA[Gly591Ala]AFGKVVEATA